The following is an entry in ClinVar:

ClinVar aggregate classification (germline): Uncertain significance (1 of 4 stars; one submission).

Submission:

Labcorp Genetics (formerly Invitae), Labcorp
Classification: Uncertain significance. Last evaluated: 2025-06-18. Review status: criteria provided, single submitter. Criteria: Invitae Variant Classification Sherloc (09022015). Collection method: clinical testing. Allele origin: germline.
Comment: This sequence change replaces lysine, which is basic and polar, with glutamic acid, which is acidic and polar, at codon 627 of the KIF23 protein (p.Lys627Glu). This variant is not present in population databases (gnomAD no frequency). This variant has not been reported in the literature in individuals affected with KIF23-related conditions. Invitae Evidence Modeling of protein sequence and biophysical properties (such as structural, functional, and spatial information, amino acid conservation, physicochemical variation, residue mobility, and thermodynamic stability) indicates that this missense variant is not expected to disrupt KIF23 protein function with a negative predictive value of 80%. In summary, the available evidence is currently insufficient to determine the role of this variant in disease. Therefore, it has been classified as a Variant of Uncertain Significance.

NM_001367805.3(KIF23):c.1921A>G (p.Lys641Glu)

Gene: KIF23 (kinesin family member 23; plus strand). Cytogenetic location: 15q23.
Variant type: single nucleotide variant.
Coding change: c.1921A>G on transcript NM_001367805.3 (MANE Select); coding-DNA position 1921, A replaced by G.
Protein change: p.Lys641Glu; replaces lysine 641 with glutamic acid.
Molecular consequence: missense variant. On other transcripts: non-coding transcript variant (2).
Genome position (GRCh38, 1-based): chr15:69,440,069, A>G. VCF-style: chr15-69440069-A-G. GRCh37 (hg19) VCF-style: chr15-69732408-A-G.
Other names: c.1549A>G, p.Lys517Glu (NM_001281301.2); c.1879A>G, p.Lys627Glu (NM_001367804.2, NM_004856.7, NM_138555.4); short protein forms K627E, K641E, K517E.
Identifiers: ClinVar variation 4769076 (VCV004769076.1).
Genomic context (GRCh38, chr15:69,440,069, plus strand): 5'-AAACGCAGATTAGAAGCCAGGTTGCAAGGCATGGTGACAGAAACGACAATGAAGTGGGAG[A>G]AAGAATGTGTGAGTATCGTTTGGGTAGTGCTTGTCTCAGAGTCGGATGATTTATTTTACA-3'
Protein context (NP_001354734.1, residues 631-651): MVTETTMKWE[Lys641Glu]ECERRVAAKQ